The following is an entry in ClinVar:

ClinVar aggregate classification (germline): Uncertain significance. Review status: criteria provided, multiple submitters, no conflicts (2 of 4 stars). 2 submissions from 2 submitters: Uncertain significance (2). Last evaluated 2022-10-24.

Conditions:
Inborn genetic diseases. Identifiers: MedGen C0950123, MeSH D030342.

Allele frequency attached by ClinVar (database versions not stated): gnomAD exomes 0.00002 and 0.00004; ExAC 0.00004; gnomAD 0.00004 and 0.00005; TOPMed 0.00005.
gnomAD v4.1: 43 of 1,612,790 alleles (0.0027%); highest among the groups gnomAD compares: Admixed American, 0.025%; no homozygotes.

Submissions (2):

Labcorp Genetics (formerly Invitae), Labcorp
Classification: Uncertain significance. Last evaluated: 2022-10-24. Review status: criteria provided, single submitter. Criteria: Invitae Variant Classification Sherloc (09022015). Collection method: clinical testing. Allele origin: germline.
Comment: This sequence change replaces aspartic acid, which is acidic and polar, with asparagine, which is neutral and polar, at codon 283 of the LAMC3 protein (p.Asp283Asn). This variant is present in population databases (rs764097156, gnomAD 0.02%). This variant has not been reported in the literature in individuals affected with LAMC3-related conditions. ClinVar contains an entry for this variant (Variation ID: 1449140). Algorithms developed to predict the effect of missense changes on protein structure and function output the following: SIFT: "Tolerated"; PolyPhen-2: "Benign"; Align-GVGD: "Class C0". The asparagine amino acid residue is found in multiple mammalian species, which suggests that this missense change does not adversely affect protein function. In summary, the available evidence is currently insufficient to determine the role of this variant in disease. Therefore, it has been classified as a Variant of Uncertain Significance.

Ambry Genetics
Classification: Uncertain significance for Inborn genetic diseases. Last evaluated: 2021-08-02. Review status: criteria provided, single submitter. Criteria: Ambry Variant Classification Scheme 2023. Collection method: clinical testing. Allele origin: germline.

NM_006059.4(LAMC3):c.847G>A (p.Asp283Asn)

Gene: LAMC3 (laminin subunit gamma 3; plus strand). Cytogenetic location: 9q34.12.
Variant type: single nucleotide variant.
Coding change: c.847G>A on transcript NM_006059.4 (MANE Select); coding-DNA position 847, G replaced by A.
Protein change: p.Asp283Asn; replaces aspartic acid 283 with asparagine.
Molecular consequence: missense variant.
Genome position (GRCh38, 1-based): chr9:131,036,203, G>A. VCF-style: chr9-131036203-G-A. GRCh37 (hg19) VCF-style: chr9-133911590-G-A.
Other names: c.847G>A (NM_006059.3); short protein forms D283N.
Identifiers: ClinVar variation 1449140 (VCV001449140.4), dbSNP rs764097156, ClinGen allele CA5286848.